The following is an entry in ClinVar:

ClinVar aggregate classification (germline): Likely benign. Review status: criteria provided, single submitter (1 of 4 stars). 2 submissions from 2 submitters: Likely benign (1). 1 of the submissions does not count toward it. Last evaluated 2025-09-12.

Conditions:
REEP2-related disorder. Also called: REEP2-related condition.
Hereditary spastic paraplegia 72 (SPG72A). Also called: Spastic paraplegia 72, autosomal recessive. Identifiers: Orphanet 401849, MedGen C5882669, MONDO:0014282, OMIM 615625.

Allele frequency attached by ClinVar (database versions not stated): TOPMed below 0.00001; gnomAD 0.00001; ExAC 0.00002; gnomAD exomes 0.00002.
gnomAD v4.1: 25 of 1,613,652 alleles (0.0015%); highest among the groups gnomAD compares: South Asian, 0.022%; no homozygotes.

Submissions (2):

Labcorp Genetics (formerly Invitae), Labcorp
Classification: Likely benign for Hereditary spastic paraplegia 72. Last evaluated: 2025-09-12. Review status: criteria provided, single submitter. Criteria: Invitae Variant Classification Sherloc (09022015). Collection method: clinical testing. Allele origin: germline.

PreventionGenetics, part of Exact Sciences
Classification: Likely benign for REEP2-related condition. Last evaluated: 2019-06-24. Review status: no assertion criteria provided. Collection method: clinical testing. Allele origin: germline. Not counted in ClinVar's aggregate classification.
Comment: This variant is classified as likely benign based on ACMG/AMP sequence variant interpretation guidelines (Richards et al. 2015 PMID: 25741868, with internal and published modifications).

NM_001271803.2(REEP2):c.105+7G>A

Gene: REEP2 (receptor accessory protein 2; plus strand). Cytogenetic location: 5q31.2.
Variant type: single nucleotide variant.
Coding change: c.105+7G>A on transcript NM_001271803.2 (MANE Select); 7 bases into the intron after coding-DNA position 105, G replaced by A.
Molecular consequence: intron variant.
Genome position (GRCh38, 1-based): chr5:138,441,095, G>A. VCF-style: chr5-138441095-G-A. GRCh37 (hg19) VCF-style: chr5-137776784-G-A.
Other names: c.105+7G>A (NM_016606.4).
Identifiers: ClinVar variation 3042610 (VCV003042610.3), dbSNP rs746215414, ClinGen allele CA3429687.
Genomic context (GRCh38, chr5:138,441,095, plus strand): 5'-TACCCAGCCTATTCTTCCTACAAGGCCGTGAAGACAAAAAACGTGAAGGAATATGTGAGT[G>A]GATGACCCTTCACCCCCTACCCAACCCACATGGCACAGAGAGGGGAGGGCACTGGGTCCT-3'